The following is an entry in ClinVar:

NM_001318510.2(ACSL4):c.284A>G (p.Asn95Ser)

Gene: ACSL4 (acyl-CoA synthetase long chain family member 4; minus strand). Cytogenetic location: Xq23.
Variant type: single nucleotide variant.
Coding change: c.284A>G on transcript NM_001318510.2 (MANE Select); coding-DNA position 284, A replaced by G.
Protein change: p.Asn95Ser; replaces asparagine 95 with serine.
Molecular consequence: missense variant.
Genome position (GRCh38, 1-based): chrX:109,682,841, T>C on the plus strand (A>G on the coding strand, the complement: ACSL4 is on the minus strand). VCF-style: chrX-109682841-T-C. GRCh37 (hg19) VCF-style: chrX-108926070-T-C.
Other names: NC_000023.10:g.108926070T>C; c.407A>G, p.Asn136Ser (NM_001318509.2, NM_022977.3); c.284A>G, p.Asn95Ser (NM_004458.3); short protein forms N136S, N95S.
Identifiers: ClinVar variation 128258 (VCV000128258.11), dbSNP rs587780270, ClinGen allele CA230846.
Genomic context (GRCh38, chrX:109,682,841, plus strand): 5'-AAGATGGCAATGGTGTTCTTTGGTTTTAGTCCCAGTGCAGTGAGTCCACTACCAAAGTTA[T>C]TCACTCTGCGATTCACTTCAAGATAGTTCATCCATTTATAATTCCCAAGAATTAACTGTT-3'
Protein context (NP_001305439.1, residues 85-105): MNYLEVNRRV[Asn95Ser]NFGSGLTALG

ClinVar aggregate classification (germline): Uncertain significance. Review status: criteria provided, multiple submitters, no conflicts (2 of 4 stars). 2 submissions from 2 submitters: Uncertain significance (2). Last evaluated 2020-05-15.

Conditions:
Inborn genetic diseases. Identifiers: MedGen C0950123, MeSH D030342.

Allele frequency attached by ClinVar (database versions not stated): gnomAD exomes below 0.00001 and 0.00001; ExAC 0.00001; gnomAD 0.00001; TOPMed 0.00001.
gnomAD v4.1: 6 of 1,209,920 alleles (0.0005%); highest among the groups gnomAD compares: Non-Finnish European, 0.00067%; no homozygotes.

Submissions (3):

Ambry Genetics
Classification: Uncertain significance for Inborn genetic diseases. Last evaluated: 2020-05-15. Review status: criteria provided, single submitter. Criteria: Ambry Variant Classification Scheme 2023. Collection method: clinical testing. Allele origin: germline.
Comment: The alteration results in an amino acid change:_x000D_ _x000D_ The c.284A>G (p.N95S) alteration is located in exon 4 (coding exon 2) of the ACSL4 gene. This alteration results from an A to G substitution at nucleotide position 284, causing the asparagine (N) at amino acid position 95 to be replaced by a serine (S). The alteration is rare in population databases: _x000D_ _x000D_ Based on data from the Genome Aggregation Database (gnomAD), the c.284A>G alteration was observed in 0.00055% (1/183402) of total alleles studied, The altered amino acid is not conserved throughout evolution:_x000D_ _x000D_ The p.N95 amino acid is not conserved in available vertebrate species and serine (S) is the reference amino acid in some species. The alteration is predicted tolerated by in silico modeling:_x000D_ _x000D_ The p.N95S alteration is predicted to be tolerated by in silico analysis. Based on insufficient or conflicting evidence, the clinical significance of this alteration remains unclear.

Genetic Services Laboratory, University of Chicago
Classification: Uncertain significance. Last evaluated: 2013-11-14. Review status: criteria provided, single submitter. Criteria: ACMG Guidelines, 2007. Collection method: clinical testing. Allele origin: germline. Inheritance: X-linked inheritance.

Dr. Peter K. Rogan Lab, Western University
No classification provided (evidence only). Condition: Thyroid cancer, nonmedullary, 1. Review status: no classification provided. Collection method: in vitro. Allele origin: not applicable. Functional consequence: retained intron. Not counted in ClinVar's aggregate classification.